The following is an entry in ClinVar:

ClinVar aggregate classification (germline): Uncertain significance. Review status: criteria provided, multiple submitters, no conflicts (2 of 4 stars). 2 submissions from 2 submitters: Uncertain significance (2). Last evaluated 2020-07-09.

Conditions:
Hereditary cancer-predisposing syndrome. Also called: Hereditary neoplastic syndrome; Tumor predisposition; Neoplastic Syndromes, Hereditary; Hereditary Cancer Syndrome. Identifiers: Orphanet 140162, MedGen C0027672, MeSH D009386, MONDO:0015356.
Peutz-Jeghers syndrome (PJS). Also called: Peutz-Jeghers polyposis; Periorificial lentiginosis syndrome; POLYPOSIS, HAMARTOMATOUS INTESTINAL; POLYPS-AND-SPOTS SYNDROME. Identifiers: Orphanet 2869, MedGen C0031269, MeSH D010580, MONDO:0008280, OMIM 175200.

Submissions (2):

Ambry Genetics
Classification: Uncertain significance for Hereditary cancer-predisposing syndrome. Last evaluated: 2020-07-09. Review status: criteria provided, single submitter. Criteria: Ambry Variant Classification Scheme 2023. Collection method: clinical testing. Allele origin: germline.
Comment: The p.G233R variant (also known as c.697G>C), located in coding exon 5 of the STK11 gene, results from a G to C substitution at nucleotide position 697. The glycine at codon 233 is replaced by arginine, an amino acid with dissimilar properties. This amino acid position is highly conserved in available vertebrate species. In addition, this alteration is predicted to be deleterious by in silico analysis. Since supporting evidence is limited at this time, the clinical significance of this alteration remains unclear.

Labcorp Genetics (formerly Invitae), Labcorp
Classification: Uncertain significance for Peutz-Jeghers syndrome. Last evaluated: 2019-02-25. Review status: criteria provided, single submitter. Criteria: Invitae Variant Classification Sherloc (09022015). Collection method: clinical testing. Allele origin: germline.
Comment: In summary, the available evidence is currently insufficient to determine the role of this variant in disease. Therefore, it has been classified as a Variant of Uncertain Significance. Algorithms developed to predict the effect of missense changes on protein structure and function (SIFT, PolyPhen-2, Align-GVGD) all suggest that this variant is likely to be disruptive, but these predictions have not been confirmed by published functional studies and their clinical significance is uncertain. This variant has not been reported in the literature in individuals with STK11-related conditions. This variant is not present in population databases (ExAC no frequency). This sequence change replaces glycine with arginine at codon 233 of the STK11 protein (p.Gly233Arg). The glycine residue is highly conserved and there is a moderate physicochemical difference between glycine and arginine.

NM_000455.5(STK11):c.697G>C (p.Gly233Arg)

Gene: STK11 (serine/threonine kinase 11; plus strand). Cytogenetic location: 19p13.3.
Variant type: single nucleotide variant.
Coding change: c.697G>C on transcript NM_000455.5 (MANE Select); coding-DNA position 697, G replaced by C.
Protein change: p.Gly233Arg; replaces glycine 233 with arginine.
Molecular consequence: missense variant.
Genome position (GRCh38, 1-based): chr19:1,220,680, G>C. VCF-style: chr19-1220680-G-C. GRCh37 (hg19) VCF-style: chr19-1220679-G-C.
Other names: short protein forms G233R.
Identifiers: ClinVar variation 855815 (VCV000855815.12), dbSNP rs587781638, ClinGen allele CA402949844.